The following is an entry in ClinVar:

NM_002471.4(MYH6):c.428G>C (p.Arg143Pro)

Genes: MYH6 (myosin heavy chain 6; minus strand), LOC114827851 (VISTA enhancer hs2155; plus strand). Cytogenetic location: 14q11.2.
Variant type: single nucleotide variant.
Coding change: c.428G>C on transcript NM_002471.4 (MANE Select); coding-DNA position 428, G replaced by C.
Protein change: p.Arg143Pro; replaces arginine 143 with proline.
Molecular consequence: missense variant.
Genome position (GRCh38, 1-based): chr14:23,405,297, C>G on the plus strand (G>C on the coding strand, the complement: MYH6 is on the minus strand). VCF-style: chr14-23405297-C-G. GRCh37 (hg19) VCF-style: chr14-23874506-C-G.
Other names: short protein forms R143P.
Identifiers: ClinVar variation 1706149 (VCV001706149.4), dbSNP rs200377640, ClinGen allele CA389030943.

ClinVar aggregate classification (germline): Uncertain significance. Review status: criteria provided, multiple submitters, no conflicts (2 of 4 stars). 2 submissions from 2 submitters: Uncertain significance (2). Last evaluated 2025-07-30.

Conditions:
Hypertrophic cardiomyopathy 14. Identifiers: MedGen C2750467, MONDO:0013197, OMIM 613251.

Allele frequency attached by ClinVar (database versions not stated): TOPMed below 0.00001.

Submissions (2):

Labcorp Genetics (formerly Invitae), Labcorp
Classification: Uncertain significance for Hypertrophic cardiomyopathy 14. Last evaluated: 2025-07-30. Review status: criteria provided, single submitter. Criteria: Invitae Variant Classification Sherloc (09022015). Collection method: clinical testing. Allele origin: germline.
Comment: This sequence change replaces arginine, which is basic and polar, with proline, which is neutral and non-polar, at codon 143 of the MYH6 protein (p.Arg143Pro). This variant is not present in population databases (gnomAD no frequency). This variant has not been reported in the literature in individuals affected with MYH6-related conditions. ClinVar contains an entry for this variant (Variation ID: 1706149). Invitae Evidence Modeling of protein sequence and biophysical properties (such as structural, functional, and spatial information, amino acid conservation, physicochemical variation, residue mobility, and thermodynamic stability) indicates that this missense variant is expected to disrupt MYH6 protein function with a positive predictive value of 80%. In summary, the available evidence is currently insufficient to determine the role of this variant in disease. Therefore, it has been classified as a Variant of Uncertain Significance.

GeneDx
Classification: Uncertain significance. Last evaluated: 2025-07-28. Review status: criteria provided, single submitter. Criteria: GeneDx Variant Classification Process June 2021. Collection method: clinical testing. Allele origin: germline.
Comment: Not observed at significant frequency in large population cohorts (gnomAD); In silico analysis supports that this missense variant has a deleterious effect on protein structure/function; Has not been previously published as pathogenic or benign to our knowledge